The following is an entry in ClinVar:

ClinVar aggregate classification (germline): Uncertain significance (1 of 4 stars; one submission).

Submission:

Labcorp Genetics (formerly Invitae), Labcorp
Classification: Uncertain significance. Last evaluated: 2022-07-06. Review status: criteria provided, single submitter. Criteria: Invitae Variant Classification Sherloc (09022015). Collection method: clinical testing. Allele origin: germline.
Comment: In summary, the available evidence is currently insufficient to determine the role of this variant in disease. Therefore, it has been classified as a Variant of Uncertain Significance. Algorithms developed to predict the effect of missense changes on protein structure and function are either unavailable or do not agree on the potential impact of this missense change (SIFT: "Deleterious"; PolyPhen-2: "Possibly Damaging"; Align-GVGD: "Class C15"). ClinVar contains an entry for this variant (Variation ID: 1497458). This variant has not been reported in the literature in individuals affected with PNPT1-related conditions. This variant is not present in population databases (gnomAD no frequency). This sequence change replaces serine, which is neutral and polar, with cysteine, which is neutral and slightly polar, at codon 211 of the PNPT1 protein (p.Ser211Cys).

NM_033109.5(PNPT1):c.632C>G (p.Ser211Cys)

Gene: PNPT1 (polyribonucleotide nucleotidyltransferase 1; minus strand). Cytogenetic location: 2p16.1.
Variant type: single nucleotide variant.
Coding change: c.632C>G on transcript NM_033109.5 (MANE Select); coding-DNA position 632, C replaced by G.
Protein change: p.Ser211Cys; replaces serine 211 with cysteine.
Molecular consequence: missense variant.
Genome position (GRCh38, 1-based): chr2:55,679,729, G>C on the plus strand (C>G on the coding strand, the complement: PNPT1 is on the minus strand). VCF-style: chr2-55679729-G-C. GRCh37 (hg19) VCF-style: chr2-55906864-G-C.
Other names: short protein forms S211C.
Identifiers: ClinVar variation 1497458 (VCV001497458.6), dbSNP rs757659736, ClinGen allele CA346937374.
Genomic context (GRCh38, chr2:55,679,729, plus strand): 5'-TAAAACAACTTACCAATCTGACTTTTAGGTGCTCCAGCAACCACTAAATTTAAAGTACTA[G>C]AAGACATTTCTTTTCTTGTTGGGTTAACAACATATTCTCCATCAATTATTCCTATTCGTA-3'
Protein context (NP_149100.2, residues 201-221): VVNPTRKEMS[Ser211Cys]STLNLVVAGA